The following is an entry in ClinVar:

ClinVar aggregate classification (germline): Pathogenic (1 of 4 stars; one submission).

Conditions:
Primary ciliary dyskinesia. Also called: Ciliary dyskinesia. Identifiers: Orphanet 244, MedGen C0008780, MONDO:0016575, HP:0012265.

gnomAD v4.1: 5 of 1,614,168 alleles (0.00031%); highest among the groups gnomAD compares: Non-Finnish European, 0.00042%; no homozygotes.

Submission:

Labcorp Genetics (formerly Invitae), Labcorp
Classification: Pathogenic for Primary ciliary dyskinesia. Last evaluated: 2024-03-20. Review status: criteria provided, single submitter. Criteria: Invitae Variant Classification Sherloc (09022015). Collection method: clinical testing. Allele origin: germline.
Comment: This sequence change creates a premature translational stop signal (p.Trp349*) in the ZMYND10 gene. It is expected to result in an absent or disrupted protein product. Loss-of-function variants in ZMYND10 are known to be pathogenic (PMID: 23891469, 23891471). This variant is not present in population databases (gnomAD no frequency). This variant has not been reported in the literature in individuals affected with ZMYND10-related conditions. For these reasons, this variant has been classified as Pathogenic.

Literature cited by the submitters: PubMed 23891469; PubMed 23891471.

NM_015896.4(ZMYND10):c.1046G>A (p.Trp349Ter)

Gene: ZMYND10 (zinc finger MYND-type containing 10; minus strand). Cytogenetic location: 3p21.31.
Variant type: single nucleotide variant.
Coding change: c.1046G>A on transcript NM_015896.4 (MANE Select); coding-DNA position 1046, G replaced by A.
Protein change: p.Trp349Ter; replaces tryptophan 349 with a stop codon.
Molecular consequence: nonsense.
Genome position (GRCh38, 1-based): chr3:50,341,885, C>T on the plus strand (G>A on the coding strand, the complement: ZMYND10 is on the minus strand). VCF-style: chr3-50341885-C-T. GRCh37 (hg19) VCF-style: chr3-50379316-C-T.
Other names: c.1031G>A, p.Trp344Ter (NM_001308379.2); short protein forms W344*, W349*.
Identifiers: ClinVar variation 3620893 (VCV003620893.2).